The following is an entry in ClinVar:

ClinVar aggregate classification (germline): Uncertain significance. Review status: criteria provided, multiple submitters, no conflicts (2 of 4 stars). 2 submissions from 2 submitters: Uncertain significance (2). Last evaluated 2025-10-04.

Conditions:
Wolman disease (WOLD). Also called: Acid cholesteryl ester hydrolase deficiency, Wolman type; Acid lipase disease; LYSOSOMAL ACID LIPASE DEFICIENCY, ACUTE INFANTILE; LYSOSOMAL ACID LIPASE DEFICIENCY, COMPLETE; LIPA DEFICIENCY, COMPLETE; LAL DEFICIENCY, COMPLETE. Identifiers: Orphanet 75233, MedGen C0043208, MONDO:0019148, OMIM 620151.
Cardiovascular phenotype. Identifiers: MedGen CN230736.

Allele frequency attached by ClinVar (database versions not stated): gnomAD exomes below 0.00001; ExAC 0.00002; gnomAD 0.00001; TOPMed 0.00003.
gnomAD v4.1: 11 of 1,607,634 alleles (0.00068%); highest among the groups gnomAD compares: East Asian, 0.016%; no homozygotes.

Submissions (2):

Labcorp Genetics (formerly Invitae), Labcorp
Classification: Uncertain significance for Wolman disease. Last evaluated: 2025-10-04. Review status: criteria provided, single submitter. Criteria: Invitae Variant Classification Sherloc (09022015). Collection method: clinical testing. Allele origin: germline.
Comment: This sequence change replaces valine, which is neutral and non-polar, with leucine, which is neutral and non-polar, at codon 171 of the LIPA protein (p.Val171Leu). This variant is present in population databases (rs776501025, gnomAD 0.02%). This variant has not been reported in the literature in individuals affected with LIPA-related conditions. ClinVar contains an entry for this variant (Variation ID: 1745472). An algorithm developed to predict the effect of missense changes on protein structure and function outputs the following: PolyPhen-2: "Benign". The leucine amino acid residue is found in multiple mammalian species, which suggests that this missense change does not adversely affect protein function. In summary, the available evidence is currently insufficient to determine the role of this variant in disease. Therefore, it has been classified as a Variant of Uncertain Significance.

Ambry Genetics
Classification: Uncertain significance for Cardiovascular phenotype. Last evaluated: 2022-09-20. Review status: criteria provided, single submitter. Criteria: Ambry Variant Classification Scheme 2023. Collection method: clinical testing. Allele origin: germline.
Comment: The p.V171L variant (also known as c.511G>T), located in coding exon 4 of the LIPA gene, results from a G to T substitution at nucleotide position 511. The valine at codon 171 is replaced by leucine, an amino acid with highly similar properties. This alteration has been reported in a dyslipidemia cohort; however, clinical details were limited (Dron JS et al. BMC Med Genomics, 2020 02;13:23). This amino acid position is not well conserved in available vertebrate species. In addition, this alteration is predicted to be tolerated by in silico analysis. Since supporting evidence is limited at this time, the clinical significance of this alteration remains unclear.

Literature cited by the submitters: PubMed 32041611 (cited by Ambry Genetics).

NM_000235.4(LIPA):c.511G>T (p.Val171Leu)

Gene: LIPA (lipase A, lysosomal acid type; minus strand). Cytogenetic location: 10q23.31.
Variant type: single nucleotide variant.
Coding change: c.511G>T on transcript NM_000235.4 (MANE Select); coding-DNA position 511, G replaced by T.
Protein change: p.Val171Leu; replaces valine 171 with leucine.
Molecular consequence: missense variant.
Genome position (GRCh38, 1-based): chr10:89,226,922, C>A on the plus strand (G>T on the coding strand, the complement: LIPA is on the minus strand). VCF-style: chr10-89226922-C-A. GRCh37 (hg19) VCF-style: chr10-90986679-C-A.
Other names: c.511G>T, p.Val171Leu (NM_001127605.3); c.163G>T, p.Val55Leu (NM_001288979.2); short protein forms V55L, V171L.
Identifiers: ClinVar variation 1745472 (VCV001745472.5), dbSNP rs776501025, ClinGen allele CA5593709.